The following is an entry in ClinVar:

ClinVar aggregate classification (germline): Pathogenic (1 of 4 stars; one submission).

Conditions:
Hereditary cancer-predisposing syndrome. Also called: Neoplastic Syndromes, Hereditary; Tumor predisposition; Hereditary neoplastic syndrome; Hereditary Cancer Syndrome. Identifiers: Orphanet 140162, MedGen C0027672, MeSH D009386, MONDO:0015356.

Submission:

Ambry Genetics
Classification: Pathogenic for Hereditary cancer-predisposing syndrome. Last evaluated: 2024-03-13. Review status: criteria provided, single submitter. Criteria: Ambry Variant Classification Scheme 2023. Collection method: clinical testing. Allele origin: germline.
Comment: The c.804delA pathogenic mutation, located in coding exon 7 of the TSC1 gene, results from a deletion of one nucleotide at nucleotide position 804, causing a translational frameshift with a predicted alternate stop codon (p.A269Pfs*49). This variant is considered to be rare based on population cohorts in the Genome Aggregation Database (gnomAD). This alteration is expected to result in loss of function by premature protein truncation or nonsense-mediated mRNA decay. As such, this alteration is interpreted as a disease-causing mutation.

NM_000368.5(TSC1):c.804del (p.Ala269fs)

Gene: TSC1 (TSC complex subunit 1; minus strand). Cytogenetic location: 9q34.13.
Variant type: Deletion.
Coding change: c.804del on transcript NM_000368.5 (MANE Select); coding-DNA position 804, one base deleted (A; older notation c.804delA).
Protein change: p.Ala269fs; shifts the reading frame from alanine 269.
Molecular consequence: frameshift variant. On other transcripts: 5 prime UTR variant (5), non-coding transcript variant (5).
Genome position (GRCh38, 1-based): chr9:132,912,391, T deleted on the plus strand (A on the coding strand, the reverse complement: TSC1 is on the minus strand); the first of 2 consecutive T bases (chr9:132,912,391-132,912,392); deleting either gives the same sequence. VCF-style (leftmost placement, unchanged base first): chr9-132912390-CT-C. GRCh37 (hg19) VCF-style: chr9-135787777-CT-C.
Other names: c.804del, p.Ala269fs (NM_001162426.2, NM_001406592.1, NM_001406593.1 and 16 more transcripts); c.651del, p.Ala218fs (NM_001162427.2, NM_001406610.1, NM_001406611.1 and 2 more transcripts); c.441del, p.Ala148fs (NM_001362177.2, NM_001406614.1, NM_001406615.1 and 10 more transcripts); c.-148del (NM_001406626.1, NM_001406627.1, NM_001406628.1); c.-290del (NM_001406629.1, NM_001406630.1); c.804delA (NM_000368.4); short protein forms A148fs, A218fs, A269fs.
Identifiers: ClinVar variation 3231332 (VCV003231332.1), dbSNP rs2538894012, ClinGen allele CA2825001616.